The following is an entry in ClinVar:

ClinVar aggregate classification (germline): Pathogenic/Likely pathogenic. Review status: criteria provided, multiple submitters, no conflicts (2 of 4 stars). 3 submissions from 3 submitters: Pathogenic (2); Likely pathogenic (1). Last evaluated 2025-06-25.

Conditions:
Renal tubular acidosis with progressive nerve deafness. Also called: Distal Renal Tubular Acidosis with Progressive Sensorineural Deafness; RENAL TUBULAR ACIDOSIS, AUTOSOMAL RECESSIVE, WITH PROGRESSIVE NERVE DEAFNESS; RTA WITH PROGRESSIVE NERVE DEAFNESS; renal tubular acidosis, distal, 2, with progressive sensorineural hearing loss. Identifiers: MedGen C0403554, MONDO:0009968, OMIM 267300.

Allele frequency attached by ClinVar (database versions not stated): gnomAD exomes below 0.00001.

Submissions (3):

Natera, Inc.
Classification: Likely pathogenic for Renal tubular acidosis with progressive nerve deafness. Last evaluated: 2025-06-25. Review status: criteria provided, single submitter. Criteria: Natera Variant Classification Schema (03/2026). Collection method: clinical testing. Allele origin: germline.
Comment: The c.481delG variant in ATP6V1B1 is a frameshift variant predicted to shift the reading frame beginning at codon 161 and leads to a stop codon 3 codons downstream. This variant is expected to result in nonsense mediated decay, truncation, or a dysfunctional protein product. This variant is rare in the general population with a frequency below the threshold expected for the associated phenotype(s). Given the available evidence, this variant is classified as Likely Pathogenic.

Myriad Genetics, Inc.
Classification: Pathogenic for Renal tubular acidosis with progressive nerve deafness. Last evaluated: 2023-09-12. Review status: criteria provided, single submitter. Criteria: Myriad Autosomal Dominant, Autosomal Recessive and X-Linked Classification Criteria (2023). Collection method: clinical testing. Allele origin: unknown.
Comment: NM_001692.3(ATP6V1B1):c.481delG(E161Rfs*3) is expected to be pathogenic in the context of distal renal tubular acidosis with deafness, ATP6V1B1-related. This variant is predicted to lead to an abnormal or absent protein product due to the creation of a premature termination codon in ATP6V1B1, a gene where loss-of-function variants are known to be pathogenic. Please note: this variant was assessed in the context of healthy population screening.

Labcorp Genetics (formerly Invitae), Labcorp
Classification: Pathogenic. Last evaluated: 2023-07-31. Review status: criteria provided, single submitter. Criteria: Invitae Variant Classification Sherloc (09022015). Collection method: clinical testing. Allele origin: germline.
Comment: For these reasons, this variant has been classified as Pathogenic. Algorithms developed to predict the effect of sequence changes on RNA splicing suggest that this variant may create or strengthen a splice site. This variant has not been reported in the literature in individuals affected with ATP6V1B1-related conditions. This variant is not present in population databases (gnomAD no frequency). This sequence change creates a premature translational stop signal (p.Glu161Argfs*3) in the ATP6V1B1 gene. It is expected to result in an absent or disrupted protein product. Loss-of-function variants in ATP6V1B1 are known to be pathogenic (PMID: 9916796, 18368028).

Literature cited by the submitters: PubMed 9916796 (cited by Labcorp Genetics (formerly Invitae), Labcorp); PubMed 18368028 (cited by Labcorp Genetics (formerly Invitae), Labcorp).

NM_001692.4(ATP6V1B1):c.481del (p.Glu161fs)

Gene: ATP6V1B1 (ATPase H+ transporting V1 subunit B1; plus strand). Cytogenetic location: 2p13.3.
Variant type: Deletion.
Coding change: c.481del on transcript NM_001692.4 (MANE Select); coding-DNA position 481, one base deleted (G; older notation c.481delG).
Protein change: p.Glu161fs; shifts the reading frame from glutamic acid 161.
Molecular consequence: frameshift variant.
Genome position (GRCh38, 1-based): chr2:70,959,974, G deleted. VCF-style (leftmost placement, unchanged base first): chr2-70959973-CG-C. GRCh37 (hg19) VCF-style: chr2-71187103-CG-C.
Other names: c.481delG (NM_001692.3); short protein forms E161fs.
Identifiers: ClinVar variation 2865159 (VCV002865159.6), dbSNP rs2466290792, ClinGen allele CA2659505243.